The following is an entry in ClinVar:

ClinVar aggregate classification (germline): Uncertain significance (1 of 4 stars; one submission).

Submission:

Labcorp Genetics (formerly Invitae), Labcorp
Classification: Uncertain significance. Last evaluated: 2024-05-04. Review status: criteria provided, single submitter. Criteria: Invitae Variant Classification Sherloc (09022015). Collection method: clinical testing. Allele origin: germline.
Comment: This sequence change replaces cysteine, which is neutral and slightly polar, with arginine, which is basic and polar, at codon 25 of the LRP5 protein (p.Cys25Arg). This variant is not present in population databases (gnomAD no frequency). This variant has not been reported in the literature in individuals affected with LRP5-related conditions. ClinVar contains an entry for this variant (Variation ID: 2087596). Advanced modeling of protein sequence and biophysical properties (such as structural, functional, and spatial information, amino acid conservation, physicochemical variation, residue mobility, and thermodynamic stability) has been performed at Invitae for this missense variant, however the output from this modeling did not meet the statistical confidence thresholds required to predict the impact of this variant on LRP5 protein function. In summary, the available evidence is currently insufficient to determine the role of this variant in disease. Therefore, it has been classified as a Variant of Uncertain Significance.

NM_002335.4(LRP5):c.73T>C (p.Cys25Arg)

Gene: LRP5 (LDL receptor related protein 5; plus strand). Cytogenetic location: 11q13.2.
Variant type: single nucleotide variant.
Coding change: c.73T>C on transcript NM_002335.4 (MANE Select); coding-DNA position 73, T replaced by C.
Protein change: p.Cys25Arg; replaces cysteine 25 with arginine.
Molecular consequence: missense variant. On other transcripts: 5 prime UTR variant (1).
Genome position (GRCh38, 1-based): chr11:68,312,787, T>C. VCF-style: chr11-68312787-T-C. GRCh37 (hg19) VCF-style: chr11-68080255-T-C.
Other names: c.-1693T>C (NM_001291902.2); short protein forms C25R.
Identifiers: ClinVar variation 2087596 (VCV002087596.4), dbSNP rs2496192223, ClinGen allele CA381607551.